The following is an entry in ClinVar:

ClinVar aggregate classification (germline): Uncertain significance (1 of 4 stars; one submission).

Conditions:
Pulmonary hypertension, primary, 4. Identifiers: Orphanet 422, MedGen C3809198, MONDO:0014136, OMIM 615344.

Allele frequency attached by ClinVar (database versions not stated): TOPMed below 0.00001; gnomAD 0.00001.

Submission:

Labcorp Genetics (formerly Invitae), Labcorp
Classification: Uncertain significance for Pulmonary hypertension, primary, 4. Last evaluated: 2021-12-22. Review status: criteria provided, single submitter. Criteria: Invitae Variant Classification Sherloc (09022015). Collection method: clinical testing. Allele origin: germline.
Comment: This sequence change replaces leucine, which is neutral and non-polar, with valine, which is neutral and non-polar, at codon 333 of the KCNK3 protein (p.Leu333Val). This variant is not present in population databases (gnomAD no frequency). This variant has not been reported in the literature in individuals affected with KCNK3-related conditions. Algorithms developed to predict the effect of missense changes on protein structure and function (SIFT, PolyPhen-2, Align-GVGD) all suggest that this variant is likely to be tolerated. In summary, the available evidence is currently insufficient to determine the role of this variant in disease. Therefore, it has been classified as a Variant of Uncertain Significance.

NM_002246.3(KCNK3):c.997C>G (p.Leu333Val)

Gene: KCNK3 (potassium two pore domain channel subfamily K member 3; plus strand). Cytogenetic location: 2p23.3.
Variant type: single nucleotide variant.
Coding change: c.997C>G on transcript NM_002246.3 (MANE Select); coding-DNA position 997, C replaced by G.
Protein change: p.Leu333Val; replaces leucine 333 with valine.
Molecular consequence: missense variant.
Genome position (GRCh38, 1-based): chr2:26,728,380, C>G. VCF-style: chr2-26728380-C-G. GRCh37 (hg19) VCF-style: chr2-26951248-C-G.
Other names: short protein forms L333V.
Identifiers: ClinVar variation 2066383 (VCV002066383.4), dbSNP rs1160897673, ClinGen allele CA346263207.